The following is an entry in ClinVar:

NM_006017.3(PROM1):c.1811A>G (p.Asn604Ser)

Gene: PROM1 (prominin 1; minus strand). Cytogenetic location: 4p15.32.
Variant type: single nucleotide variant.
Coding change: c.1811A>G on transcript NM_006017.3 (MANE Select); coding-DNA position 1811, A replaced by G.
Protein change: p.Asn604Ser; replaces asparagine 604 with serine.
Molecular consequence: missense variant.
Genome position (GRCh38, 1-based): chr4:15,992,348, T>C on the plus strand (A>G on the coding strand, the complement: PROM1 is on the minus strand). VCF-style: chr4-15992348-T-C. GRCh37 (hg19) VCF-style: chr4-15993971-T-C.
Other names: c.1784A>G, p.Asn595Ser (NM_001145847.2, NM_001145848.2, NM_001145851.2 and 4 more transcripts); c.1811A>G, p.Asn604Ser (NM_001145849.2, NM_001145850.2); short protein forms N604S, N595S.
Identifiers: ClinVar variation 2783117 (VCV002783117.3), dbSNP rs960568032, ClinGen allele CA92581877.

ClinVar aggregate classification (germline): Uncertain significance (1 of 4 stars; one submission).

Submission:

Labcorp Genetics (formerly Invitae), Labcorp
Classification: Uncertain significance. Last evaluated: 2024-01-11. Review status: criteria provided, single submitter. Criteria: Invitae Variant Classification Sherloc (09022015). Collection method: clinical testing. Allele origin: germline.
Comment: This sequence change replaces asparagine, which is neutral and polar, with serine, which is neutral and polar, at codon 604 of the PROM1 protein (p.Asn604Ser). This variant is not present in population databases (gnomAD no frequency). This variant has not been reported in the literature in individuals affected with PROM1-related conditions. Advanced modeling of protein sequence and biophysical properties (such as structural, functional, and spatial information, amino acid conservation, physicochemical variation, residue mobility, and thermodynamic stability) performed at Invitae indicates that this missense variant is not expected to disrupt PROM1 protein function with a negative predictive value of 80%. Algorithms developed to predict the effect of sequence changes on RNA splicing suggest that this variant may disrupt the consensus splice site. In summary, the available evidence is currently insufficient to determine the role of this variant in disease. Therefore, it has been classified as a Variant of Uncertain Significance.